The following is an entry in ClinVar:

NM_000443.4(ABCB4):c.1231-16C>T

Gene: ABCB4 (ATP binding cassette subfamily B member 4; minus strand). Cytogenetic location: 7q21.12.
Variant type: single nucleotide variant.
Coding change: c.1231-16C>T on transcript NM_000443.4 (MANE Select); 16 bases into the intron before coding-DNA position 1231, C replaced by T.
Molecular consequence: intron variant.
Genome position (GRCh38, 1-based): chr7:87,443,460, G>A on the plus strand (C>T on the coding strand, the complement: ABCB4 is on the minus strand). VCF-style: chr7-87443460-G-A. GRCh37 (hg19) VCF-style: chr7-87072776-G-A.
Other names: c.1231-16C>T (NM_018850.3, NM_018849.3).
Identifiers: ClinVar variation 385579 (VCV000385579.4), dbSNP rs56229233, ClinGen allele CA4327342.
Genomic context (GRCh38, chr7:87,443,460, plus strand): 5'-CACCGTCTGCCCACTCTGCACCTTCAGGTTGAGGCCCTTCAAGATCTGTAAGGAAAATGA[G>A]AAAAAAGAACACACTTCACAACAAAGCCCTAAAATGGGAATAATTCGATTCAGTTTGAAA-3'

ClinVar aggregate classification (germline): Benign/Likely benign. Review status: criteria provided, multiple submitters, no conflicts (2 of 4 stars). 2 submissions from 2 submitters: Benign (1); Likely benign (1). Last evaluated 2026-02-02.

Allele frequency attached by ClinVar (database versions not stated): gnomAD 0.00036 and 0.00037; gnomAD exomes 0.00044 and 0.00063; ExAC 0.00051; ESP Exome Variant Server 0.00054; TOPMed 0.00030.
gnomAD v4.1: 987 of 1,613,090 alleles (0.061%); highest among the groups gnomAD compares: Non-Finnish European, 0.077%; 1 homozygote.

Submissions (2):

Labcorp Genetics (formerly Invitae), Labcorp
Classification: Benign. Last evaluated: 2026-02-02. Review status: criteria provided, single submitter. Criteria: Invitae Variant Classification Sherloc (09022015). Collection method: clinical testing. Allele origin: germline.

GeneDx
Classification: Likely benign. Last evaluated: 2017-04-20. Review status: criteria provided, single submitter. Criteria: GeneDx Variant Classification (06012015). Collection method: clinical testing. Allele origin: germline. Affected: yes.
Comment: This variant is considered likely benign or benign based on one or more of the following criteria: it is a conservative change, it occurs at a poorly conserved position in the protein, it is predicted to be benign by multiple in silico algorithms, and/or has population frequency not consistent with disease.